The following is an entry in ClinVar:

NM_000059.4(BRCA2):c.7312G>T (p.Asp2438Tyr)

Gene: BRCA2 (BRCA2 DNA repair associated; plus strand). Cytogenetic location: 13q13.1.
Variant type: single nucleotide variant.
Coding change: c.7312G>T on transcript NM_000059.4 (MANE Select); coding-DNA position 7312, G replaced by T.
Protein change: p.Asp2438Tyr; replaces aspartic acid 2438 with tyrosine.
Molecular consequence: missense variant.
Genome position (GRCh38, 1-based): chr13:32,355,165, G>T. VCF-style: chr13-32355165-G-T. GRCh37 (hg19) VCF-style: chr13-32929302-G-T.
Other names: short protein forms D2438Y.
Identifiers: ClinVar variation 568985 (VCV000568985.12), dbSNP rs776936973, ClinGen allele CA6941079.

ClinVar aggregate classification (germline): Conflicting classifications of pathogenicity. Review status: criteria provided, conflicting classifications (1 of 4 stars). 3 submissions from 3 submitters: Uncertain significance (2); Likely benign (1). Last evaluated 2025-03-04.

Conditions:
Hereditary cancer-predisposing syndrome. Also called: Neoplastic Syndromes, Hereditary; Tumor predisposition; Hereditary neoplastic syndrome; Hereditary Cancer Syndrome. Identifiers: Orphanet 140162, MedGen C0027672, MeSH D009386, MONDO:0015356.
Hereditary breast ovarian cancer syndrome. Also called: Hereditary breast and ovarian cancer syndrome (HBOC); Hereditary breast and ovarian cancer; Hereditary breast and/or ovarian cancer syndrome; Hereditary breast and ovarian cancer syndrome; Breast and ovarian cancer; BRCA1- and BRCA2-Associated Hereditary Breast and Ovarian Cancer. Identifiers: Orphanet 145, MedGen C0677776, MeSH D061325, MONDO:0003582. Disease mechanism: loss of function.

gnomAD v4.1: 4 of 1,613,812 alleles (0.00025%); highest among the groups gnomAD compares: South Asian, 0.0044%; no homozygotes.

Submissions (3):

Center for Genomic Medicine, Rigshospitalet, Copenhagen University Hospital
Classification: Likely benign. Last evaluated: 2025-03-04. Review status: criteria provided, single submitter. Criteria: ACMG Guidelines, 2015. Collection method: clinical testing. Allele origin: germline.

Labcorp Genetics (formerly Invitae), Labcorp
Classification: Uncertain significance for Hereditary breast ovarian cancer syndrome. Last evaluated: 2023-05-22. Review status: criteria provided, single submitter. Criteria: Invitae Variant Classification Sherloc (09022015). Collection method: clinical testing. Allele origin: germline.
Comment: In summary, the available evidence is currently insufficient to determine the role of this variant in disease. Therefore, it has been classified as a Variant of Uncertain Significance. Advanced modeling of protein sequence and biophysical properties (such as structural, functional, and spatial information, amino acid conservation, physicochemical variation, residue mobility, and thermodynamic stability) performed at Invitae indicates that this missense variant is not expected to disrupt BRCA2 protein function. ClinVar contains an entry for this variant (Variation ID: 568985). This variant has not been reported in the literature in individuals affected with BRCA2-related conditions. This variant is present in population databases (rs776936973, gnomAD 0.003%). This sequence change replaces aspartic acid, which is acidic and polar, with tyrosine, which is neutral and polar, at codon 2438 of the BRCA2 protein (p.Asp2438Tyr).

Ambry Genetics
Classification: Uncertain significance for Hereditary cancer-predisposing syndrome. Last evaluated: 2017-12-05. Review status: criteria provided, single submitter. Criteria: Ambry Variant Classification Scheme 2023. Collection method: clinical testing. Allele origin: germline.
Comment: The p.D2438Y variant (also known as c.7312G>T), located in coding exon 13 of the BRCA2 gene, results from a G to T substitution at nucleotide position 7312. The aspartic acid at codon 2438 is replaced by tyrosine, an amino acid with highly dissimilar properties. This amino acid position is not well conserved in available vertebrate species. In addition, the in silico prediction for this alteration is inconclusive. Since supporting evidence is limited at this time, the clinical significance of this alteration remains unclear.